The following is an entry in ClinVar:

ClinVar aggregate classification (germline): Benign/Likely benign. Review status: criteria provided, multiple submitters, no conflicts (2 of 4 stars). 9 submissions from 9 submitters: Benign (2); Likely benign (7). Last evaluated 2025-12-28.

Conditions:
Hereditary cancer-predisposing syndrome. Also called: Neoplastic Syndromes, Hereditary; Hereditary Cancer Syndrome; Tumor predisposition; Hereditary neoplastic syndrome. Identifiers: Orphanet 140162, MedGen C0027672, MeSH D009386, MONDO:0015356.
Familial cancer of breast. Also called: Hereditary breast cancer; BREAST CANCER, FAMILIAL; hereditary breast carcinoma. Identifiers: Orphanet 227535, MedGen C0346153, MONDO:0016419, OMIM 114480. Disease mechanism: loss of function.
Ataxia-telangiectasia syndrome (AT). Also called: LOUIS-BAR SYNDROME; Cerebello-oculocutaneous telangiectasia; Immunodeficiency with ataxia telangiectasia; Ataxia-telangiectasia, complementation group D; AT, COMPLEMENTATION GROUP C; Ataxia-telangiectasia, complementation group E. Identifiers: Orphanet 100, MedGen C0004135, MONDO:0008840, OMIM 208900.
Breast and/or ovarian cancer. Identifiers: MedGen CN221562.

Submissions (9):

Labcorp Genetics (formerly Invitae), Labcorp
Classification: Benign for Ataxia-telangiectasia syndrome. Last evaluated: 2025-12-28. Review status: criteria provided, single submitter. Criteria: Invitae Variant Classification Sherloc (09022015). Collection method: clinical testing. Allele origin: germline.

Center for Genomic Medicine, Rigshospitalet, Copenhagen University Hospital
Classification: Likely benign. Last evaluated: 2025-03-04. Review status: criteria provided, single submitter. Criteria: ACMG Guidelines, 2015. Collection method: clinical testing. Allele origin: germline.

Blueprint Genetics
Classification: Likely benign. Last evaluated: 2024-10-15. Review status: criteria provided, single submitter. Criteria: ACMG Guidelines, 2015. Collection method: clinical testing. Allele origin: germline.

Department of Pathology and Laboratory Medicine, Sinai Health System
Classification: Likely benign for Familial cancer of breast; Ataxia-telangiectasia syndrome. Last evaluated: 2024-09-16. Review status: criteria provided, single submitter. Criteria: ACMG Guidelines, 2015. Collection method: clinical testing. Allele origin: germline.

Myriad Genetics, Inc.
Classification: Likely benign for Familial cancer of breast. Last evaluated: 2024-06-14. Review status: criteria provided, single submitter. Criteria: Myriad Autosomal Dominant, Autosomal Recessive and X-Linked Classification Criteria (2023). Collection method: clinical testing. Allele origin: unknown.
Comment: This variant is considered likely benign. This variant is intronic and is not expected to impact mRNA splicing.

GeneDx
Classification: Likely benign. Last evaluated: 2023-07-10. Review status: criteria provided, single submitter. Criteria: GeneDx Variant Classification Process June 2021. Collection method: clinical testing. Allele origin: germline. Affected: yes.
Comment: See Variant Classification Assertion Criteria.

CHEO Genetics Diagnostic Laboratory, Children's Hospital of Eastern Ontario
Classification: Likely benign for Breast and/or ovarian cancer. Last evaluated: 2022-11-08. Review status: criteria provided, single submitter. Criteria: ACMG Guidelines, 2015. Collection method: clinical testing. Allele origin: germline.

Women's Health and Genetics/Laboratory Corporation of America, LabCorp
Classification: Benign. Last evaluated: 2019-11-08. Review status: criteria provided, single submitter. Criteria: LabCorp Variant Classification Summary - May 2015. Collection method: clinical testing. Allele origin: germline.
Comment: Variant summary: ATM c.7516-9dupT alters a non-conserved nucleotide located close to a canonical splice site and therefore could affect mRNA splicing, leading to a significantly altered protein sequence. 5/5 computational tools predict no significant impact on normal splicing. However, these predictions have yet to be confirmed by functional studies. The variant allele was found at a frequency of 0.00035 in 228758 control chromosomes, predominantly at a frequency of 0.0017 within the East Asian subpopulation in the gnomAD database. The observed variant frequency within East Asian control individuals in the gnomAD database is approximately 2 fold of the estimated maximal expected allele frequency for a pathogenic variant in ATM causing Breast Cancer phenotype (0.001), strongly suggesting that the variant is a benign polymorphism found primarily in populations of East Asian origin. To our knowledge, no occurrence of c.7516-9dupT in individuals affected with Breast Cancer and no experimental evidence demonstrating its impact on protein function have been reported. Two ClinVar submitters (evaluation after 2014) cite the variant as likely benign. Based on the evidence outlined above, the variant was classified as benign.

Color Diagnostics, LLC DBA Color Health
Classification: Likely benign for Hereditary cancer-predisposing syndrome. Last evaluated: 2015-04-27. Review status: criteria provided, single submitter. Criteria: ACMG Guidelines, 2015. Collection method: clinical testing. Allele origin: germline.

NM_000051.4(ATM):c.7516-9dup

Genes: ATM (ATM serine/threonine kinase; plus strand), C11orf65 (chromosome 11 open reading frame 65; minus strand). Cytogenetic location: 11q22.3.
Variant type: Duplication.
Coding change: c.7516-9dup on transcript NM_000051.4 (MANE Select); 9 bases into the intron before coding-DNA position 7516, one base duplicated (T; older notation c.7516-9dupT).
Molecular consequence: intron variant. On other transcripts: non-coding transcript variant (1).
Genome position (GRCh38, 1-based): chr11:108,331,435, T duplicated; the last of 8 consecutive T bases (chr11:108,331,428-108,331,435); duplicating any one gives the same sequence. VCF-style (leftmost placement, unchanged base first): chr11-108331427-C-CT. GRCh37 (hg19) VCF-style: chr11-108202154-C-CT.
Other names: c.7516-9dup (NM_001351834.2); c.641-22357dup (NM_001330368.2); c.*38+3792dup (NM_001351110.2); c.7516-9dupT (NM_000051.3, NM_000051.4).
Identifiers: ClinVar variation 418042 (VCV000418042.28), dbSNP rs573494809, ClinGen allele CA6266133.